The following is an entry in ClinVar:

ClinVar aggregate classification (germline): Uncertain significance (1 of 4 stars; one submission).

Allele frequency attached by ClinVar (database versions not stated): gnomAD 0.00001; TOPMed 0.00001; gnomAD exomes 0.00001.
gnomAD v4.1: 20 of 1,551,906 alleles (0.0013%); highest among the groups gnomAD compares: Middle Eastern, 0.017%; no homozygotes.

Submission:

Labcorp Genetics (formerly Invitae), Labcorp
Classification: Uncertain significance. Last evaluated: 2025-06-05. Review status: criteria provided, single submitter. Criteria: Invitae Variant Classification Sherloc (09022015). Collection method: clinical testing. Allele origin: germline.
Comment: This sequence change replaces isoleucine, which is neutral and non-polar, with valine, which is neutral and non-polar, at codon 1711 of the TET2 protein (p.Ile1711Val). This variant is present in population databases (no rsID available, gnomAD 0.01%). This variant has not been reported in the literature in individuals affected with TET2-related conditions. ClinVar contains an entry for this variant (Variation ID: 3016272). An algorithm developed to predict the effect of missense changes on protein structure and function outputs the following: PolyPhen-2: "Benign". The valine amino acid residue is found in multiple mammalian species, which suggests that this missense change does not adversely affect protein function. In summary, the available evidence is currently insufficient to determine the role of this variant in disease. Therefore, it has been classified as a Variant of Uncertain Significance.

NM_001127208.3(TET2):c.5131A>G (p.Ile1711Val)

Genes: TET2 (tet methylcytosine dioxygenase 2; plus strand), TET2-AS1 (TET2 antisense RNA 1; minus strand). Cytogenetic location: 4q24.
Variant type: single nucleotide variant.
Coding change: c.5131A>G on transcript NM_001127208.3 (MANE Select); coding-DNA position 5131, A replaced by G.
Protein change: p.Ile1711Val; replaces isoleucine 1711 with valine.
Molecular consequence: missense variant.
Genome position (GRCh38, 1-based): chr4:105,275,641, A>G. VCF-style: chr4-105275641-A-G. GRCh37 (hg19) VCF-style: chr4-106196798-A-G.
Other names: short protein forms I1711V.
Identifiers: ClinVar variation 3016272 (VCV003016272.3), dbSNP rs1468900249, ClinGen allele CA357814615.